The following is an entry in ClinVar:

ClinVar aggregate classification (germline): Benign. Review status: criteria provided, multiple submitters, no conflicts (2 of 4 stars). 9 submissions from 9 submitters: Benign (6). 3 of the submissions do not count toward it. Last evaluated 2026-02-04.

Conditions:
Inborn genetic diseases. Identifiers: MedGen C0950123, MeSH D030342.
Benign neonatal seizures. Also called: Benign familial neonatal epilepsy; Benign familial neonatal seizures; Benign neonatal familial convulsions; Convulsions benign familial neonatal dominant form; Autosomal dominant form of benign neonatal seizures. Identifiers: Orphanet 1949, MedGen C0220669, MONDO:0016027.
Seizures, benign familial neonatal, 2. Also called: KCNQ3-Related Benign Familial Neonatal Epilepsy; KCNQ3-Related Self-Limited Familial Neonatal Epilepsy (SLFNE); Benign Neonatal Epilepsy 2; Seizures, benign neonatal, 2; CONVULSIONS, BENIGN FAMILIAL NEONATAL, 2. Identifiers: Orphanet 1949, MedGen C1852581, MONDO:0007366, OMIM 121201.

Allele frequency attached by ClinVar (database versions not stated): 1000 Genomes Project 0.02416; TOPMed 0.04352; gnomAD exomes 0.06491 and 0.05246; 1000 Genomes Project 30x 0.02327; ExAC 0.05126; gnomAD 0.05125 and 0.05313; ESP Exome Variant Server 0.05151.
gnomAD v4.1: 102,216 of 1,614,002 alleles (6.3%); highest among the groups gnomAD compares: Non-Finnish European, 7.2%; 3,673 homozygotes.

Submissions (9):

Labcorp Genetics (formerly Invitae), Labcorp
Classification: Benign for Benign neonatal seizures. Last evaluated: 2026-02-04. Review status: criteria provided, single submitter. Criteria: Invitae Variant Classification Sherloc (09022015). Collection method: clinical testing. Allele origin: germline.

Mayo Clinic Laboratories, Mayo Clinic
Classification: Benign. Last evaluated: 2018-04-10. Review status: criteria provided, single submitter. Criteria: ACMG Guidelines, 2015. Collection method: clinical testing. Allele origin: germline. Observed: 57 variant alleles.

Illumina Laboratory Services, Illumina
Classification: Benign for Seizures, benign familial neonatal, 2. Last evaluated: 2018-01-12. Review status: criteria provided, single submitter. Criteria: ICSL Variant Classification Criteria 13 December 2019. Collection method: clinical testing. Allele origin: germline.
Comment: This variant was observed in the ICSL laboratory as part of a predisposition screen in an ostensibly healthy population. It had not been previously curated by ICSL or reported in the Human Gene Mutation Database (HGMD: prior to June 1st, 2018), and was therefore a candidate for classification through an automated scoring system. Utilizing variant allele frequency, disease prevalence and penetrance estimates, and inheritance mode, an automated score was calculated to assess if this variant is too frequent to cause the disease. Based on the score and internal cut-off values, a variant classified as benign is not then subjected to further curation. The score for this variant resulted in a classification of benign for this disease.

Ambry Genetics
Classification: Benign for Inborn genetic diseases. Last evaluated: 2016-04-14. Review status: criteria provided, single submitter. Criteria: Ambry Variant Classification Scheme 2023. Collection method: clinical testing. Allele origin: germline.

GeneDx
Classification: Benign. Last evaluated: 2015-03-03. Review status: criteria provided, single submitter. Criteria: GeneDx Variant Classification Process June 2021. Collection method: clinical testing. Allele origin: germline. Affected: yes.

Breakthrough Genomics
Classification: Benign. Review status: criteria provided, single submitter. Criteria: ACMG Guidelines, 2015. Collection method: not provided. Allele origin: germline. Inheritance: Autosomal dominant inheritance. Affected: yes.

Genetic Services Laboratory, University of Chicago
Classification: Likely benign for AllHighlyPenetrant. Review status: no assertion criteria provided. Collection method: clinical testing. Allele origin: germline. Inheritance: Autosomal dominant inheritance. Not counted in ClinVar's aggregate classification.
Comment: Likely benign based on allele frequency in 1000 Genomes Project or ESP global frequency and its presence in a patient with a rare or unrelated disease phenotype. NOT Sanger confirmed.

Genome Diagnostics Laboratory, University Medical Center Utrecht
Classification: Benign. Review status: no assertion criteria provided. Collection method: clinical testing. Allele origin: germline. Affected: yes. Study: VKGL Data-share Consensus. Not counted in ClinVar's aggregate classification.

Joint Genome Diagnostic Labs from Nijmegen and Maastricht, Radboudumc and MUMC+
Classification: Benign. Review status: no assertion criteria provided. Collection method: clinical testing. Allele origin: germline. Affected: yes. Study: VKGL Data-share Consensus. Not counted in ClinVar's aggregate classification.

NM_004519.4(KCNQ3):c.732T>C (p.Gly244=)

Gene: KCNQ3 (potassium voltage-gated channel subfamily Q member 3; minus strand). Cytogenetic location: 8q24.22.
Variant type: single nucleotide variant.
Coding change: c.732T>C on transcript NM_004519.4 (MANE Select); coding-DNA position 732, T replaced by C.
Protein change: p.Gly244=; no amino-acid change (glycine 244 retained).
Molecular consequence: synonymous variant.
Genome position (GRCh38, 1-based): chr8:132,180,202, A>G on the plus strand (T>C on the coding strand, the complement: KCNQ3 is on the minus strand). VCF-style: chr8-132180202-A-G. GRCh37 (hg19) VCF-style: chr8-133192449-A-G.
Other names: p.Gly244=; c.372T>C, p.Gly124= (NM_001204824.2).
Identifiers: ClinVar variation 129350 (VCV000129350.30), dbSNP rs41272387, ClinGen allele CA153301.